The following is an entry in ClinVar:

NM_004793.4(LONP1):c.1073G>C (p.Arg358Pro)

Gene: LONP1 (lon peptidase 1, mitochondrial; minus strand). Cytogenetic location: 19p13.3.
Variant type: single nucleotide variant.
Coding change: c.1073G>C on transcript NM_004793.4 (MANE Select); coding-DNA position 1073, G replaced by C.
Protein change: p.Arg358Pro; replaces arginine 358 with proline.
Molecular consequence: missense variant. On other transcripts: non-coding transcript variant (1).
Genome position (GRCh38, 1-based): chr19:5,707,133, C>G on the plus strand (G>C on the coding strand, the complement: LONP1 is on the minus strand). VCF-style: chr19-5707133-C-G. GRCh37 (hg19) VCF-style: chr19-5707144-C-G.
Other names: c.485G>C, p.Arg162Pro (NM_001276480.1); c.881G>C, p.Arg294Pro (NM_001276479.2); short protein forms R162P, R294P, R358P.
Identifiers: ClinVar variation 1315794 (VCV001315794.2), dbSNP rs752610066, ClinGen allele CA403535492.

ClinVar aggregate classification (germline): Uncertain significance (1 of 4 stars; one submission).

Submission:

GeneDx
Classification: Uncertain significance. Last evaluated: 2019-10-28. Review status: criteria provided, single submitter. Criteria: GeneDx Variant Classification Process June 2021. Collection method: clinical testing. Allele origin: germline. Affected: yes.
Comment: Not observed in large population cohorts (Lek et al., 2016); In silico analysis, which includes protein predictors and evolutionary conservation, supports a deleterious effect; Has not been previously published as pathogenic or benign to our knowledge